The following is an entry in ClinVar:

NM_001042492.3(NF1):c.4316dup (p.Leu1439fs)

Gene: NF1 (neurofibromin 1; plus strand). Cytogenetic location: 17q11.2.
Variant type: Duplication.
Coding change: c.4316dup on transcript NM_001042492.3 (MANE Select); coding-DNA position 4316, one base duplicated (T; older notation c.4316dupT).
Protein change: p.Leu1439fs; shifts the reading frame from leucine 1439.
Molecular consequence: frameshift variant.
Genome position (GRCh38, 1-based): chr17:31,258,486, T duplicated; the last of 2 consecutive T bases (chr17:31,258,485-31,258,486); duplicating either gives the same sequence. VCF-style (leftmost placement, unchanged base first): chr17-31258484-C-CT. GRCh37 (hg19) VCF-style: chr17-29585502-C-CT.
Other names: c.4253dup, p.Leu1418Phefs (NM_000267.4); short protein forms L1418fs, L1439fs.
Identifiers: ClinVar variation 2024450 (VCV002024450.4), dbSNP rs2508409622, ClinGen allele CA2580092951.
Genomic context (GRCh38, chr17:31,258,484, plus strand): 5'-TGTCTCACCGTATGAAGCAGGGATTTTAGATAAAAAGCCACCACCTAGAATCGAAAGGGG[C>CT]TTGAAGTTAATGTCAAAGGTGAATTATTTTGATAATCTAGCTATCTTAAATTCCCCTTCC-3'

ClinVar aggregate classification (germline): Pathogenic (1 of 4 stars; one submission).

Conditions:
Neurofibromatosis, type 1 (NF1). Also called: NEUROFIBROMATOSIS, TYPE I, SOMATIC; Neurofibromatosis, type I; Peripheral type neurofibromatosis; VON RECKLINGHAUSEN DISEASE. Identifiers: Orphanet 636, MedGen C0027831, MONDO:0018975, OMIM 162200. Disease mechanism: loss of function.

Submission:

Labcorp Genetics (formerly Invitae), Labcorp
Classification: Pathogenic for Neurofibromatosis, type 1. Last evaluated: 2022-08-17. Review status: criteria provided, single submitter. Criteria: Invitae Variant Classification Sherloc (09022015). Collection method: clinical testing. Allele origin: germline.
Comment: This sequence change creates a premature translational stop signal (p.Leu1418Phefs*28) in the NF1 gene. It is expected to result in an absent or disrupted protein product. Loss-of-function variants in NF1 are known to be pathogenic (PMID: 10712197, 23913538). This variant is not present in population databases (gnomAD no frequency). This variant has not been reported in the literature in individuals affected with NF1-related conditions. For these reasons, this variant has been classified as Pathogenic.

Literature cited by the submitters: PubMed 10712197; PubMed 23913538.